The following is an entry in ClinVar:

NM_003001.5(SDHC):c.145A>G (p.Asn49Asp)

Gene: SDHC (succinate dehydrogenase complex subunit C; plus strand). Cytogenetic location: 1q23.3.
Variant type: single nucleotide variant.
Coding change: c.145A>G on transcript NM_003001.5 (MANE Select); coding-DNA position 145, A replaced by G.
Protein change: p.Asn49Asp; replaces asparagine 49 with aspartic acid.
Molecular consequence: missense variant. On other transcripts: non-coding transcript variant (1), intron variant (4).
Genome position (GRCh38, 1-based): chr1:161,328,463, A>G. VCF-style: chr1-161328463-A-G. GRCh37 (hg19) VCF-style: chr1-161298253-A-G.
Other names: c.145A>G, p.Asn49Asp (NM_001035511.3, NM_001407115.1); c.88A>G, p.Asn30Asp (NM_001407116.1, NM_001407117.1, NM_001407121.1); c.34A>G, p.Asn12Asp (NM_001407119.1, NM_001407120.1); c.77+4793A>G (NM_001035512.3, NM_001278172.3, NM_001407118.1); c.21-12131A>G (NM_001035513.3); short protein forms N49D, N30D, N12D.
Identifiers: ClinVar variation 1773114 (VCV001773114.4), dbSNP rs2526365156, ClinGen allele CA343361210.

ClinVar aggregate classification (germline): Uncertain significance. Review status: criteria provided, multiple submitters, no conflicts (2 of 4 stars). 3 submissions from 3 submitters: Uncertain significance (3). Last evaluated 2023-12-22.

Conditions:
Hereditary cancer-predisposing syndrome. Also called: Neoplastic Syndromes, Hereditary; Tumor predisposition; Hereditary Cancer Syndrome; Hereditary neoplastic syndrome. Identifiers: Orphanet 140162, MedGen C0027672, MeSH D009386, MONDO:0015356.
Gastrointestinal stromal tumor. Also called: Gastrointestinal stromal tumor, somatic; Gastrointestinal stroma tumor. Identifiers: Orphanet 44890, MedGen C0238198, MeSH D046152, MONDO:0011719, OMIM 606764, HP:0100723.
Hereditary pheochromocytoma and paraganglioma. Also called: Hereditary Paraganglioma-Pheochromocytoma Syndromes; Hereditary paragangliomas and pheochromocytomas; Hereditary pheochromocytoma-paraganglioma. Identifiers: Orphanet 29072, MedGen C4274332, MONDO:0017366.

Submissions (3):

Baylor Genetics
Classification: Uncertain significance for Gastrointestinal stromal tumor. Last evaluated: 2023-12-22. Review status: criteria provided, single submitter. Criteria: ACMG Guidelines, 2015. Collection method: clinical testing. Allele origin: unknown.

All of Us Research Program, National Institutes of Health
Classification: Uncertain significance for Hereditary pheochromocytoma and paraganglioma. Last evaluated: 2023-02-24. Review status: criteria provided, single submitter. Criteria: ACMG Guidelines, 2015. Collection method: clinical testing. Allele origin: germline. Inheritance: Autosomal dominant inheritance. Observed: 1 variant allele, 1 heterozygote.
Comment: This missense variant replaces asparagine with aspartic acid at codon 49 of the SDHC protein. Computational prediction is inconclusive regarding the impact of this variant on protein structure and function (internally defined REVEL score threshold 0.5 < inconclusive < 0.7, PMID: 27666373). To our knowledge, functional studies have not been reported for this variant. This variant has not been reported in individuals affected with SDHC-related disorders in the literature. This variant has not been identified in the general population by the Genome Aggregation Database (gnomAD). The available evidence is insufficient to determine the role of this variant in disease conclusively. Therefore, this variant is classified as a Variant of Uncertain Significance.

This study involves interpretation of variants in research participants for the purpose of population health screening. Participant phenotype was not available at the time of variant classification. Additional details can be found in publication PMID: 35346344, PMCID: PMC8962531

Ambry Genetics
Classification: Uncertain significance for Hereditary cancer-predisposing syndrome. Last evaluated: 2020-10-07. Review status: criteria provided, single submitter. Criteria: Ambry Variant Classification Scheme 2023. Collection method: clinical testing. Allele origin: germline.
Comment: The p.N49D variant (also known as c.145A>G), located in coding exon 3 of the SDHC gene, results from an A to G substitution at nucleotide position 145. The asparagine at codon 49 is replaced by aspartic acid, an amino acid with highly similar properties. This amino acid position is well conserved in available vertebrate species. In addition, the in silico prediction for this alteration is inconclusive. Since supporting evidence is limited at this time, the clinical significance of this alteration remains unclear.